The following is an entry in ClinVar:

ClinVar aggregate classification (germline): Uncertain significance. Review status: criteria provided, multiple submitters, no conflicts (2 of 4 stars). 2 submissions from 2 submitters: Uncertain significance (2). Last evaluated 2023-09-27.

Conditions:
Febrile seizures, familial, 4 (FEB4). Also called: CONVULSIONS, FAMILIAL FEBRILE, 4. Identifiers: MedGen C1858493, MONDO:0011443, OMIM 604352.

Allele frequency attached by ClinVar (database versions not stated): gnomAD exomes below 0.00001; TOPMed below 0.00001.
gnomAD v4.1: 2 of 1,612,122 alleles (0.00012%); highest among the groups gnomAD compares: Non-Finnish European, 0.00017%; no homozygotes.

Submissions (2):

Labcorp Genetics (formerly Invitae), Labcorp
Classification: Uncertain significance. Last evaluated: 2023-09-27. Review status: criteria provided, single submitter. Criteria: Invitae Variant Classification Sherloc (09022015). Collection method: clinical testing. Allele origin: germline.
Comment: Advanced modeling of protein sequence and biophysical properties (such as structural, functional, and spatial information, amino acid conservation, physicochemical variation, residue mobility, and thermodynamic stability) performed at Invitae indicates that this missense variant is not expected to disrupt ADGRV1 protein function. This sequence change replaces isoleucine, which is neutral and non-polar, with valine, which is neutral and non-polar, at codon 4868 of the ADGRV1 protein (p.Ile4868Val). This variant is not present in population databases (gnomAD no frequency). This variant has not been reported in the literature in individuals affected with ADGRV1-related conditions. ClinVar contains an entry for this variant (Variation ID: 598770). In summary, the available evidence is currently insufficient to determine the role of this variant in disease. Therefore, it has been classified as a Variant of Uncertain Significance.

MVZ Martinsried, Medicover Genetics
Classification: Uncertain significance for Febrile seizures, familial, 4. Last evaluated: 2018-07-13. Review status: criteria provided, single submitter. Criteria: ACMG Guidelines, 2015. Collection method: clinical testing. Allele origin: paternal. Affected: yes.

NM_032119.4(ADGRV1):c.14602A>G (p.Ile4868Val)

Gene: ADGRV1 (adhesion G protein-coupled receptor V1; plus strand). Cytogenetic location: 5q14.3.
Variant type: single nucleotide variant.
Coding change: c.14602A>G on transcript NM_032119.4 (MANE Select); coding-DNA position 14602, A replaced by G.
Protein change: p.Ile4868Val; replaces isoleucine 4868 with valine.
Molecular consequence: missense variant. On other transcripts: non-coding transcript variant (1).
Genome position (GRCh38, 1-based): chr5:90,802,823, A>G. VCF-style: chr5-90802823-A-G. GRCh37 (hg19) VCF-style: chr5-90098640-A-G.
Other names: short protein forms I4868V.
Identifiers: ClinVar variation 598770 (VCV000598770.4), dbSNP rs1561765715, ClinGen allele CA360405105.